The following is an entry in ClinVar:

NM_000059.4(BRCA2):c.5817G>T (p.Leu1939Phe)

Gene: BRCA2 (BRCA2 DNA repair associated; plus strand). Cytogenetic location: 13q13.1.
Variant type: single nucleotide variant.
Coding change: c.5817G>T on transcript NM_000059.4 (MANE Select); coding-DNA position 5817, G replaced by T.
Protein change: p.Leu1939Phe; replaces leucine 1939 with phenylalanine.
Molecular consequence: missense variant. On other transcripts: non-coding transcript variant (1), intron variant (2).
Genome position (GRCh38, 1-based): chr13:32,340,172, G>T. VCF-style: chr13-32340172-G-T. GRCh37 (hg19) VCF-style: chr13-32914309-G-T.
Other names: c.5817G>T, p.Leu1939Phe (NM_001406719.1, NM_001406720.1, NM_001432077.1); c.1910-4386G>T (NM_001406721.1); c.425-4386G>T (NM_001406722.1); short protein forms L1939F.
Identifiers: ClinVar variation 4824552 (VCV004824552.1).

ClinVar aggregate classification (germline): Uncertain significance (1 of 4 stars; one submission).

Conditions:
Hereditary cancer-predisposing syndrome. Also called: Neoplastic Syndromes, Hereditary; Hereditary neoplastic syndrome; Tumor predisposition; Hereditary Cancer Syndrome. Identifiers: Orphanet 140162, MedGen C0027672, MeSH D009386, MONDO:0015356.

Submission:

Ambry Genetics
Classification: Uncertain significance for Hereditary cancer-predisposing syndrome. Last evaluated: 2026-02-16. Review status: criteria provided, single submitter. Criteria: Ambry Variant Classification Scheme 2023. Collection method: clinical testing. Allele origin: germline.
Comment: The p.L1939F variant (also known as c.5817G>T), located in coding exon 10 of the BRCA2 gene, results from a G to T substitution at nucleotide position 5817. The leucine at codon 1939 is replaced by phenylalanine, an amino acid with highly similar properties. This amino acid position is conserved. In addition, this alteration is predicted to be tolerated by in silico analysis. Based on the available evidence, the clinical significance of this variant remains unclear.